The following is an entry in ClinVar:

NM_152564.5(VPS13B):c.8299G>A (p.Glu2767Lys)

Gene: VPS13B (vacuolar protein sorting 13 homolog B; plus strand). Cytogenetic location: 8q22.2.
Variant type: single nucleotide variant.
Coding change: c.8299G>A on transcript NM_152564.5 (MANE Select); coding-DNA position 8299, G replaced by A.
Protein change: p.Glu2767Lys; replaces glutamic acid 2767 with lysine.
Molecular consequence: missense variant.
Genome position (GRCh38, 1-based): chr8:99,817,741, G>A. VCF-style: chr8-99817741-G-A. GRCh37 (hg19) VCF-style: chr8-100829969-G-A.
Other names: c.8374G>A, p.Glu2792Lys (NM_017890.5); short protein forms E2767K, E2792K.
Identifiers: ClinVar variation 4999846 (VCV004999846.1).
Genomic context (GRCh38, chr8:99,817,741, plus strand): 5'-CCTTCGTACATACTAGAAAACAATGAACTGACGGAGCTGTGTGTGAAGGCCAAAGGAGAT[G>A]AAGACTGGTCAAGAGATGTGTGCCTGGAATCCAAAGCCCCTGAGTACAGCATTGTCATTC-3'
Protein context (NP_689777.3, residues 2757-2777): TELCVKAKGD[Glu2767Lys]DWSRDVCLES

ClinVar aggregate classification (germline): Uncertain significance (1 of 4 stars; one submission).

Conditions:
VPS13B-related disorder. Also called: VPS13B-related condition.

gnomAD v4.1: 2 of 1,614,006 alleles (0.00012%); highest among the groups gnomAD compares: Non-Finnish European, 0.00017%; no homozygotes.

Submission:

PreventionGenetics, part of Exact Sciences
Classification: Uncertain significance for VPS13B-related condition. Last evaluated: 2025-01-28. Review status: criteria provided, single submitter. Criteria: ACMG Guidelines, 2015. Collection method: clinical testing. Allele origin: germline.
Comment: The VPS13B c.8299G>A variant is predicted to result in the amino acid substitution p.Glu2767Lys. To our knowledge, this variant has not been reported in the literature or in a large population database (gnomAD), indicating this variant is rare. At this time, the clinical significance of this variant is uncertain due to the absence of conclusive functional and genetic evidence.